The following is an entry in ClinVar:

ClinVar aggregate classification (germline): Uncertain significance (1 of 4 stars; one submission).

Conditions:
Distal hereditary motor neuropathy type 2. Identifiers: Orphanet 139525, MedGen C3711384, MeSH C580044, MONDO:0015352.

Allele frequency attached by ClinVar (database versions not stated): gnomAD exomes below 0.00001; gnomAD 0.00001.
gnomAD v4.1: 5 of 1,613,896 alleles (0.00031%); highest among the groups gnomAD compares: Non-Finnish European, 0.00042%; no homozygotes.

Submission:

Labcorp Genetics (formerly Invitae), Labcorp
Classification: Uncertain significance for Distal hereditary motor neuropathy type 2. Last evaluated: 2022-02-03. Review status: criteria provided, single submitter. Criteria: Invitae Variant Classification Sherloc (09022015). Collection method: clinical testing. Allele origin: germline.
Comment: This sequence change replaces alanine, which is neutral and non-polar, with valine, which is neutral and non-polar, at codon 1068 of the FBXO38 protein (p.Ala1068Val). This variant is not present in population databases (gnomAD no frequency). In summary, the available evidence is currently insufficient to determine the role of this variant in disease. Therefore, it has been classified as a Variant of Uncertain Significance. Algorithms developed to predict the effect of missense changes on protein structure and function (SIFT, PolyPhen-2, Align-GVGD) all suggest that this variant is likely to be disruptive. ClinVar contains an entry for this variant (Variation ID: 541017). This variant has not been reported in the literature in individuals affected with FBXO38-related conditions.

NM_205836.3(FBXO38):c.3428C>T (p.Ala1143Val)

Gene: FBXO38 (F-box protein 38; plus strand). Cytogenetic location: 5q32.
Variant type: single nucleotide variant.
Coding change: c.3428C>T on transcript NM_205836.3 (MANE Select); coding-DNA position 3428, C replaced by T.
Protein change: p.Ala1143Val; replaces alanine 1143 with valine.
Molecular consequence: missense variant.
Genome position (GRCh38, 1-based): chr5:148,442,008, C>T. VCF-style: chr5-148442008-C-T. GRCh37 (hg19) VCF-style: chr5-147821571-C-T.
Other names: c.2693C>T, p.Ala898Val (NM_001271723.2); c.3203C>T, p.Ala1068Val (NM_030793.5); short protein forms A898V, A1068V, A1143V.
Identifiers: ClinVar variation 541017 (VCV000541017.13), dbSNP rs1554083508, ClinGen allele CA361661605.